The following is an entry in ClinVar:

NM_006172.4(NPPA):c.341A>G (p.Lys114Arg)

Genes: NPPA (natriuretic peptide A; minus strand), NPPA-AS1 (NPPA antisense RNA 1; plus strand), LOC114827827 (VISTA enhancer hs2123; plus strand). Cytogenetic location: 1p36.22.
Variant type: single nucleotide variant.
Coding change: c.341A>G on transcript NM_006172.4 (MANE Select); coding-DNA position 341, A replaced by G.
Protein change: p.Lys114Arg; replaces lysine 114 with arginine.
Molecular consequence: missense variant.
Genome position (GRCh38, 1-based): chr1:11,847,222, T>C on the plus strand (A>G on the coding strand, the complement: NPPA is on the minus strand). VCF-style: chr1-11847222-T-C. GRCh37 (hg19) VCF-style: chr1-11907279-T-C.
Other names: short protein forms K114R.
Identifiers: ClinVar variation 3613103 (VCV003613103.2).

ClinVar aggregate classification (germline): Uncertain significance (1 of 4 stars; one submission).

Conditions:
Atrial fibrillation, familial, 6 (ATFB6). Identifiers: MedGen C2677294, MONDO:0012816, OMIM 612201.

gnomAD v4.1: 2 of 1,612,022 alleles (0.00012%); highest among the groups gnomAD compares: Admixed American, 0.0033%; no homozygotes.

Submission:

Labcorp Genetics (formerly Invitae), Labcorp
Classification: Uncertain significance for Atrial fibrillation, familial, 6. Last evaluated: 2024-04-13. Review status: criteria provided, single submitter. Criteria: Invitae Variant Classification Sherloc (09022015). Collection method: clinical testing. Allele origin: germline.
Comment: This sequence change replaces lysine, which is basic and polar, with arginine, which is basic and polar, at codon 114 of the NPPA protein (p.Lys114Arg). This variant is not present in population databases (gnomAD no frequency). This variant has not been reported in the literature in individuals affected with NPPA-related conditions. An algorithm developed to predict the effect of missense changes on protein structure and function (PolyPhen-2) suggests that this variant is likely to be disruptive. In summary, the available evidence is currently insufficient to determine the role of this variant in disease. Therefore, it has been classified as a Variant of Uncertain Significance.